The following is an entry in ClinVar:

ClinVar aggregate classification (germline): Uncertain significance. Review status: criteria provided, multiple submitters, no conflicts (2 of 4 stars). 2 submissions from 2 submitters: Uncertain significance (2). Last evaluated 2025-12-11.

Conditions:
Spastic paraplegia. Identifiers: MedGen C0037772, HP:0001258.
Inborn genetic diseases. Identifiers: MedGen C0950123, MeSH D030342.

Allele frequency attached by ClinVar (database versions not stated): gnomAD exomes below 0.00001; ExAC 0.00001; gnomAD 0.00001; TOPMed 0.00002; ESP Exome Variant Server 0.00008.
gnomAD v4.1: 11 of 1,612,798 alleles (0.00068%); highest among the groups gnomAD compares: Non-Finnish European, 0.00085%; no homozygotes.

Submissions (2):

Ambry Genetics
Classification: Uncertain significance for Inborn genetic diseases. Last evaluated: 2025-12-11. Review status: criteria provided, single submitter. Criteria: Ambry Variant Classification Scheme 2023. Collection method: clinical testing. Allele origin: germline.

Labcorp Genetics (formerly Invitae), Labcorp
Classification: Uncertain significance for Spastic paraplegia. Last evaluated: 2025-08-18. Review status: criteria provided, single submitter. Criteria: Invitae Variant Classification Sherloc (09022015). Collection method: clinical testing. Allele origin: germline.
Comment: This sequence change replaces alanine, which is neutral and non-polar, with valine, which is neutral and non-polar, at codon 1801 of the ZFYVE26 protein (p.Ala1801Val). This variant is present in population databases (rs373003258, gnomAD 0.0008%). This variant has not been reported in the literature in individuals affected with ZFYVE26-related conditions. ClinVar contains an entry for this variant (Variation ID: 578605). An algorithm developed to predict the effect of missense changes on protein structure and function (PolyPhen-2) suggests that this variant is likely to be disruptive. In summary, the available evidence is currently insufficient to determine the role of this variant in disease. Therefore, it has been classified as a Variant of Uncertain Significance.

NM_015346.4(ZFYVE26):c.5402C>T (p.Ala1801Val)

Gene: ZFYVE26 (zinc finger FYVE-type containing 26; minus strand). Cytogenetic location: 14q24.1.
Variant type: single nucleotide variant.
Coding change: c.5402C>T on transcript NM_015346.4 (MANE Select); coding-DNA position 5402, C replaced by T.
Protein change: p.Ala1801Val; replaces alanine 1801 with valine.
Molecular consequence: missense variant.
Genome position (GRCh38, 1-based): chr14:67,772,129, G>A on the plus strand (C>T on the coding strand, the complement: ZFYVE26 is on the minus strand). VCF-style: chr14-67772129-G-A. GRCh37 (hg19) VCF-style: chr14-68238846-G-A.
Other names: short protein forms A1801V.
Identifiers: ClinVar variation 578605 (VCV000578605.5), dbSNP rs373003258, ClinGen allele CA7239510.